The following is an entry in ClinVar:

ClinVar aggregate classification (germline): Uncertain significance. Review status: criteria provided, multiple submitters, no conflicts (2 of 4 stars). 3 submissions from 3 submitters: Uncertain significance (3). Last evaluated 2025-10-02.

Conditions:
Familial sleep-related hypermotor epilepsy. Also called: Autosomal Dominant Sleep-Related Hypermotor (Hyperkinetic) Epilepsy. Identifiers: Orphanet 98784, MedGen C3696898, MONDO:0000030.
Inborn genetic diseases. Identifiers: MedGen C0950123, MeSH D030342.

Allele frequency attached by ClinVar (database versions not stated): gnomAD exomes below 0.00001 and 0.00001; TOPMed 0.00001; gnomAD 0.00002 and 0.00001; ExAC 0.00001.
gnomAD v4.1: 10 of 1,613,768 alleles (0.00062%); highest among the groups gnomAD compares: Middle Eastern, 0.066%; no homozygotes.

Submissions (3):

Ambry Genetics
Classification: Uncertain significance for Inborn genetic diseases. Last evaluated: 2025-10-02. Review status: criteria provided, single submitter. Criteria: Ambry Variant Classification Scheme 2023. Collection method: clinical testing. Allele origin: germline.

Labcorp Genetics (formerly Invitae), Labcorp
Classification: Uncertain significance. Last evaluated: 2023-06-23. Review status: criteria provided, single submitter. Criteria: Invitae Variant Classification Sherloc (09022015). Collection method: clinical testing. Allele origin: germline.
Comment: This variant has not been reported in the literature in individuals affected with CHRNA4-related conditions. ClinVar contains an entry for this variant (Variation ID: 426205). Advanced modeling of protein sequence and biophysical properties (such as structural, functional, and spatial information, amino acid conservation, physicochemical variation, residue mobility, and thermodynamic stability) performed at Invitae indicates that this missense variant is expected to disrupt CHRNA4 protein function. In summary, the available evidence is currently insufficient to determine the role of this variant in disease. Therefore, it has been classified as a Variant of Uncertain Significance. This variant is present in population databases (rs767865433, gnomAD 0.1%). This sequence change replaces asparagine, which is neutral and polar, with aspartic acid, which is acidic and polar, at codon 329 of the CHRNA4 protein (p.Asn329Asp).

GeneDx
Classification: Uncertain significance. Last evaluated: 2017-04-26. Review status: criteria provided, single submitter. Criteria: GeneDx Variant Classification (06012015). Collection method: clinical testing. Allele origin: germline. Affected: yes.
Comment: The N329D variant in the CHRNA4 gene has not been reported previously as a pathogenic variant, nor as a benign variant, to our knowledge. The N329D variant is not observed at a significant frequency in large population cohorts (Lek et al., 2016; 1000 Genomes Consortium et al., 2015; Exome Variant Server). The N329D variant is a semi-conservative amino acid substitution, which may impact secondary protein structure as these residues differ in some properties. This substitution occurs at a position that is conserved across species, and in silico analysis predicts this variant is probably damaging to the protein structure/function. We interpret N329D as a variant of uncertain significance.

NM_000744.7(CHRNA4):c.985A>G (p.Asn329Asp)

Gene: CHRNA4 (cholinergic receptor nicotinic alpha 4 subunit; minus strand). Cytogenetic location: 20q13.33.
Variant type: single nucleotide variant.
Coding change: c.985A>G on transcript NM_000744.7 (MANE Select); coding-DNA position 985, A replaced by G.
Protein change: p.Asn329Asp; replaces asparagine 329 with aspartic acid.
Molecular consequence: missense variant. On other transcripts: non-coding transcript variant (1).
Genome position (GRCh38, 1-based): chr20:63,350,426, T>C on the plus strand (A>G on the coding strand, the complement: CHRNA4 is on the minus strand). VCF-style: chr20-63350426-T-C. GRCh37 (hg19) VCF-style: chr20-61981778-T-C.
Other names: c.457A>G, p.Asn153Asp (NM_001256573.2); short protein forms N329D, N153D.
Identifiers: ClinVar variation 426205 (VCV000426205.6), dbSNP rs767865433, ClinGen allele CA9957685.